The following is an entry in ClinVar:

NM_001128.6(AP1G1):c.952T>C (p.Leu318=)

Gene: AP1G1 (adaptor related protein complex 1 subunit gamma 1; minus strand). Cytogenetic location: 16q22.2.
Variant type: single nucleotide variant.
Coding change: c.952T>C on transcript NM_001128.6 (MANE Select); coding-DNA position 952, T replaced by C.
Protein change: p.Leu318=; no amino-acid change (leucine 318 retained).
Molecular consequence: synonymous variant.
Genome position (GRCh38, 1-based): chr16:71,761,534, A>G on the plus strand (T>C on the coding strand, the complement: AP1G1 is on the minus strand). VCF-style: chr16-71761534-A-G. GRCh37 (hg19) VCF-style: chr16-71795437-A-G.
Other names: c.961T>C, p.Leu321= (NM_001030007.2).
Identifiers: ClinVar variation 4981786 (VCV004981786.1).
Genomic context (GRCh38, chr16:71,761,534, plus strand): 5'-TAATATCCAAGATAAAAGACATATTTCAGTTAACTTACCTAATATTCTTGTCATTGTTCA[A>G]TAAGAAACGACCCAGGATATTTATGGCTAGGACCTAAAGAGAAACAGCATAGGTCGAAAT-3'
Protein context (NP_001119.3, residues 308-328): LAINILGRFL[Leu318=]NNDKNIRYVA

ClinVar aggregate classification (germline): Likely benign (1 of 4 stars; one submission).

Conditions:
AP1G1-related disorder. Also called: AP1G1-related condition.

gnomAD v4.1: 38 of 1,606,582 alleles (0.0024%); highest among the groups gnomAD compares: African/African-American, 0.023%; no homozygotes.

Submission:

PreventionGenetics, part of Exact Sciences
Classification: Likely benign for AP1G1-related condition. Last evaluated: 2025-10-03. Review status: criteria provided, single submitter. Criteria: ACMG Guidelines, 2015. Collection method: clinical testing. Allele origin: germline.
Comment: This variant is classified as likely benign based on ACMG/AMP sequence variant interpretation guidelines (Richards et al. 2015 PMID: 25741868, with internal and published modifications).